The following is an entry in ClinVar:

NM_015602.4(TOR1AIP1):c.610+3A>G

Gene: TOR1AIP1 (torsin 1A interacting protein 1; plus strand). Cytogenetic location: 1q25.2.
Variant type: single nucleotide variant.
Coding change: c.610+3A>G on transcript NM_015602.4 (MANE Select); 3 bases into the intron after coding-DNA position 610, A replaced by G.
Molecular consequence: intron variant.
Genome position (GRCh38, 1-based): chr1:179,889,372, A>G. VCF-style: chr1-179889372-A-G. GRCh37 (hg19) VCF-style: chr1-179858507-A-G.
Other names: c.613+3A>G (NM_001267578.2).
Identifiers: ClinVar variation 948941 (VCV000948941.7), dbSNP rs1647996916, ClinGen allele CA1139656431.
Genomic context (GRCh38, chr1:179,889,372, plus strand): 5'-GTGAGTGAAGATCTTGTAATCAGGTTACGTCGACCCCCTCTAAGATACCCAAGATATGGT[A>G]AGAGATTGTTTGTCTGTTGGTTTACCTTTGTTATAAATACAGTTTTATTTTTAAATATGG-3'

ClinVar aggregate classification (germline): Uncertain significance (1 of 4 stars; one submission).

Conditions:
Autosomal recessive limb-girdle muscular dystrophy type 2Y (MRRSDC). Also called: Muscular dystrophy, limb-girdle, type 2y; Muscular dystrophy, autosomal recessive, with rigid spine and distal joint contractures. Identifiers: Orphanet 424261, MedGen C4511482, MONDO:0014900, OMIM 617072.

Submission:

Labcorp Genetics (formerly Invitae), Labcorp
Classification: Uncertain significance for Autosomal recessive limb-girdle muscular dystrophy type 2Y. Last evaluated: 2024-04-25. Review status: criteria provided, single submitter. Criteria: Invitae Variant Classification Sherloc (09022015). Collection method: clinical testing. Allele origin: germline.
Comment: This sequence change falls in intron 3 of the TOR1AIP1 gene. It does not directly change the encoded amino acid sequence of the TOR1AIP1 protein. It affects a nucleotide within the consensus splice site. This variant is not present in population databases (gnomAD no frequency). This variant has not been reported in the literature in individuals affected with TOR1AIP1-related conditions. ClinVar contains an entry for this variant (Variation ID: 948941). Variants that disrupt the consensus splice site are a relatively common cause of aberrant splicing (PMID: 17576681, 9536098). Algorithms developed to predict the effect of sequence changes on RNA splicing suggest that this variant is not likely to affect RNA splicing. In summary, the available evidence is currently insufficient to determine the role of this variant in disease. Therefore, it has been classified as a Variant of Uncertain Significance.

Literature cited by the submitters: PubMed 17576681; PubMed 9536098.